The following is an entry in ClinVar:

NM_000284.4(PDHA1):c.854A>G (p.Gln285Arg)

Gene: PDHA1 (pyruvate dehydrogenase E1 subunit alpha 1; plus strand). Cytogenetic location: Xp22.12.
Variant type: single nucleotide variant.
Coding change: c.854A>G on transcript NM_000284.4 (MANE Select); coding-DNA position 854, A replaced by G.
Protein change: p.Gln285Arg; replaces glutamine 285 with arginine.
Molecular consequence: missense variant.
Genome position (GRCh38, 1-based): chrX:19,357,674, A>G. VCF-style: chrX-19357674-A-G. GRCh37 (hg19) VCF-style: chrX-19375792-A-G.
Other names: p.Q285R:CAG>CGG; c.968A>G, p.Gln323Arg (NM_001173454.2); c.875A>G, p.Gln292Arg (NM_001173455.2); c.761A>G, p.Gln254Arg (NM_001173456.2); short protein forms Q285R, Q254R, Q292R, Q323R.
Identifiers: ClinVar variation 214934 (VCV000214934.6), dbSNP rs373275701, ClinGen allele CA322243.

ClinVar aggregate classification (germline): Conflicting classifications of pathogenicity. Review status: criteria provided, conflicting classifications (1 of 4 stars). 4 submissions from 4 submitters: Uncertain significance (2); Likely benign (1). 1 of the submissions does not count toward it. Last evaluated 2026-02-26.

Conditions:
Inborn genetic diseases. Identifiers: MedGen C0950123, MeSH D030342.
Pyruvate dehydrogenase complex deficiency (PDHC). Also called: PDH DEFICIENCY; PYRUVATE DECARBOXYLASE DEFICIENCY; Pyruvate dehydrogenase deficiency; Pyruvate Dehydrogenase Complex Deficiency Disease; Ataxia with lactic acidosis 1. Identifiers: Orphanet 765, Orphanet 79243, MedGen C0034345, MONDO:0019169.
Pyruvate dehydrogenase E1-alpha deficiency (PDHAD). Also called: ATAXIA, INTERMITTENT, WITH PYRUVATE DEHYDROGENASE DEFICIENCY; ATAXIA WITH LACTIC ACIDOSIS I; ATAXIA, INTERMITTENT, WITH ABNORMAL PYRUVATE METABOLISM; Ataxia, intermittent, with pyruvate dehydrogenase, or decarboxylase, deficiency. Identifiers: Orphanet 79243, MedGen C1839413, MONDO:0010717, OMIM 312170.

Allele frequency attached by ClinVar (database versions not stated): TOPMed 0.00002; ESP Exome Variant Server 0.00009; gnomAD 0.00002; gnomAD exomes 0.00004 and 0.00001.
gnomAD v4.1: 40 of 1,208,838 alleles (0.0033%); highest among the groups gnomAD compares: Non-Finnish European, 0.0044%; no homozygotes.

Submissions (4):

Ambry Genetics
Classification: Likely benign for Inborn genetic diseases. Last evaluated: 2026-02-26. Review status: criteria provided, single submitter. Criteria: Ambry Variant Classification Scheme 2023. Collection method: clinical testing. Allele origin: germline.

Labcorp Genetics (formerly Invitae), Labcorp
Classification: Uncertain significance for Pyruvate dehydrogenase E1-alpha deficiency. Last evaluated: 2018-08-30. Review status: criteria provided, single submitter. Criteria: Invitae Variant Classification Sherloc (09022015). Collection method: clinical testing. Allele origin: germline.
Comment: This sequence change replaces glutamine with arginine at codon 285 of the PDHA1 protein (p.Gln285Arg). The glutamine residue is moderately conserved and there is a small physicochemical difference between glutamine and arginine. This variant is not present in population databases (ExAC no frequency). This variant has not been reported in the literature in individuals with PDHA1-related disease. ClinVar contains an entry for this variant (Variation ID: 214934). Algorithms developed to predict the effect of missense changes on protein structure and function are either unavailable or do not agree on the potential impact of this missense change (SIFT: "Tolerated"; PolyPhen-2: "Possibly Damaging"; Align-GVGD: "Class C0"). In summary, the available evidence is currently insufficient to determine the role of this variant in disease. Therefore, it has been classified as a Variant of Uncertain Significance.

GeneDx
Classification: Uncertain significance. Last evaluated: 2013-07-31. Review status: criteria provided, single submitter. Criteria: GeneDx Variant Classification (06012015). Collection method: clinical testing. Allele origin: germline. Affected: yes.
Comment: p.Gln285Arg (CAG>CGG): c.854 A>G in exon 9 of the PDHA1 gene (NM_000284.3). A variant of unknown significance has been identified in the PDHA1 gene. The Q285R missense substitution has not been published as a mutation, nor has it been reported as a benign polymorphism to our knowledge. Q285R is a non-conservative amino acid substitution as an uncharged Glutamine residue is replaced with a positively charged Arginine residue, and other published missense mutations have been reported in this region of the protein (M282V, R288H). The variant occurs at a position that is highly conserved through mammals, although Arginine is seen at this position in more distantly related species. In silico algorithms are not consistent in their prediction as to whether or not Q285R is damaging to the structure/function of the PDHA1 protein. Therefore, based on the currently available information, it is unclear whether Q285R is a disease-causing mutation or a rare benign variant. The variant is found in MITONUC-MITOP panel(s).

Natera, Inc.
Classification: Uncertain significance for Pyruvate decarboxylase deficiency. Last evaluated: 2019-11-11. Review status: no assertion criteria provided. Collection method: clinical testing. Allele origin: germline. Not counted in ClinVar's aggregate classification.